The following is an entry in ClinVar:

ClinVar aggregate classification (germline): Uncertain significance (1 of 4 stars; one submission).

Conditions:
Emery-Dreifuss muscular dystrophy 4, autosomal dominant (EDMD4). Also called: EMERY-DREIFUSS MUSCULAR DYSTROPHY 4 WITH VARIABLE FEATURES. Identifiers: Orphanet 261, MedGen C2751807, MONDO:0013071, OMIM 612998.
Autosomal recessive ataxia, Beauce type. Also called: SYNE1-Related Autosomal Recessive Cerebellar Ataxia; SYNE1 Deficiency; Spinocerebellar ataxia, autosomal recessive 8; ATAXIA, RECESSIVE, OF BEAUCE. Identifiers: Orphanet 88644, MedGen C1853116, MONDO:0012549, OMIM 610743.

Submission:

Labcorp Genetics (formerly Invitae), Labcorp
Classification: Uncertain significance for Emery-Dreifuss muscular dystrophy 4, autosomal dominant; Autosomal recessive ataxia, Beauce type. Last evaluated: 2022-08-20. Review status: criteria provided, single submitter. Criteria: Invitae Variant Classification Sherloc (09022015). Collection method: clinical testing. Allele origin: germline.
Comment: This sequence change replaces leucine, which is neutral and non-polar, with valine, which is neutral and non-polar, at codon 2306 of the SYNE1 protein (p.Leu2306Val). This variant is not present in population databases (gnomAD no frequency). This variant has not been reported in the literature in individuals affected with SYNE1-related conditions. Algorithms developed to predict the effect of missense changes on protein structure and function are either unavailable or do not agree on the potential impact of this missense change (SIFT: "Deleterious"; PolyPhen-2: "Benign"; Align-GVGD: "Class C25"). In summary, the available evidence is currently insufficient to determine the role of this variant in disease. Therefore, it has been classified as a Variant of Uncertain Significance.

NM_182961.4(SYNE1):c.6895C>G (p.Leu2299Val)

Gene: SYNE1 (spectrin repeat containing nuclear envelope protein 1; minus strand). Cytogenetic location: 6q25.2.
Variant type: single nucleotide variant.
Coding change: c.6895C>G on transcript NM_182961.4 (MANE Select); coding-DNA position 6895, C replaced by G.
Protein change: p.Leu2299Val; replaces leucine 2299 with valine.
Molecular consequence: missense variant.
Genome position (GRCh38, 1-based): chr6:152,401,272, G>C on the plus strand (C>G on the coding strand, the complement: SYNE1 is on the minus strand). VCF-style: chr6-152401272-G-C. GRCh37 (hg19) VCF-style: chr6-152722407-G-C.
Other names: c.6916C>G, p.Leu2306Val (NM_033071.5); short protein forms L2299V, L2306V.
Identifiers: ClinVar variation 1715824 (VCV001715824.3), dbSNP rs2494342303, ClinGen allele CA366120145.